The following is an entry in ClinVar:

NM_019109.5(ALG1):c.901A>G (p.Lys301Glu)

Gene: ALG1 (ALG1 chitobiosyldiphosphodolichol beta-mannosyltransferase; plus strand). Cytogenetic location: 16p13.3.
Variant type: single nucleotide variant.
Coding change: c.901A>G on transcript NM_019109.5 (MANE Select); coding-DNA position 901, A replaced by G.
Protein change: p.Lys301Glu; replaces lysine 301 with glutamic acid.
Molecular consequence: missense variant.
Genome position (GRCh38, 1-based): chr16:5,079,102, A>G. VCF-style: chr16-5079102-A-G. GRCh37 (hg19) VCF-style: chr16-5129103-A-G.
Other names: c.568A>G, p.Lys190Glu (NM_001330504.2); short protein forms K301E, K190E.
Identifiers: ClinVar variation 939983 (VCV000939983.6), dbSNP rs753600353, ClinGen allele CA7890078.

ClinVar aggregate classification (germline): Uncertain significance. Review status: criteria provided, multiple submitters, no conflicts (2 of 4 stars). 2 submissions from 2 submitters: Uncertain significance (2). Last evaluated 2024-02-28.

Conditions:
ALG1-congenital disorder of glycosylation. Also called: CONGENITAL DISORDER OF GLYCOSYLATION, TYPE Ik; CDG Ik; ALG1-CDG. Identifiers: Orphanet 79327, MedGen C2931005, MONDO:0012052, OMIM 608540.

Allele frequency attached by ClinVar (database versions not stated): TOPMed 0.00002.
gnomAD v4.1: 14 of 1,596,962 alleles (0.00088%); highest among the groups gnomAD compares: Admixed American, 0.015%; no homozygotes.

Submissions (2):

Fulgent Genetics
Classification: Uncertain significance for ALG1-congenital disorder of glycosylation. Last evaluated: 2024-02-28. Review status: criteria provided, single submitter. Criteria: ACMG Guidelines, 2015. Collection method: clinical testing. Allele origin: germline.

Labcorp Genetics (formerly Invitae), Labcorp
Classification: Uncertain significance for ALG1-congenital disorder of glycosylation. Last evaluated: 2023-12-18. Review status: criteria provided, single submitter. Criteria: Invitae Variant Classification Sherloc (09022015). Collection method: clinical testing. Allele origin: germline.
Comment: This sequence change replaces lysine, which is basic and polar, with glutamic acid, which is acidic and polar, at codon 301 of the ALG1 protein (p.Lys301Glu). This variant is present in population databases (rs753600353, gnomAD 0.02%). This variant has not been reported in the literature in individuals affected with ALG1-related conditions. ClinVar contains an entry for this variant (Variation ID: 939983). An algorithm developed to predict the effect of missense changes on protein structure and function (PolyPhen-2) suggests that this variant¬†is likely to be tolerated. In summary, the available evidence is currently insufficient to determine the role of this variant in disease. Therefore, it has been classified as a Variant of Uncertain Significance.